The following is an entry in ClinVar:

NM_001291415.2(KDM6A):c.857C>G (p.Ser286Cys)

Gene: KDM6A (lysine demethylase 6A; plus strand). Cytogenetic location: Xp11.3.
Variant type: single nucleotide variant.
Coding change: c.857C>G on transcript NM_001291415.2 (MANE Select); coding-DNA position 857, C replaced by G.
Protein change: p.Ser286Cys; replaces serine 286 with cysteine.
Molecular consequence: missense variant. On other transcripts: non-coding transcript variant (1).
Genome position (GRCh38, 1-based): chrX:45,053,937, C>G. VCF-style: chrX-45053937-C-G. GRCh37 (hg19) VCF-style: chrX-44913182-C-G.
Other names: c.857C>G, p.Ser286Cys (NM_001291416.2, NM_001291417.2, NM_001291418.2 and 1 more transcripts); c.104C>G, p.Ser35Cys (NM_001291421.2); short protein forms S286C, S35C.
Identifiers: ClinVar variation 1308592 (VCV001308592.5), dbSNP rs749431153, ClinGen allele CA10392273.

ClinVar aggregate classification (germline): Uncertain significance. Review status: criteria provided, multiple submitters, no conflicts (2 of 4 stars). 2 submissions from 2 submitters: Uncertain significance (2). Last evaluated 2023-06-22.

Conditions:
Kabuki syndrome 2 (KABUK2). Also called: KDM6A-Related Kabuki Syndrome. Identifiers: Orphanet 2322, MedGen C3275495, MONDO:0010465, OMIM 300867.

Allele frequency attached by ClinVar (database versions not stated): ExAC 0.00001; gnomAD exomes 0.00001.

Submissions (2):

Labcorp Genetics (formerly Invitae), Labcorp
Classification: Uncertain significance for Kabuki syndrome 2. Last evaluated: 2023-06-22. Review status: criteria provided, single submitter. Criteria: Invitae Variant Classification Sherloc (09022015). Collection method: clinical testing. Allele origin: germline.
Comment: Advanced modeling of protein sequence and biophysical properties (such as structural, functional, and spatial information, amino acid conservation, physicochemical variation, residue mobility, and thermodynamic stability) performed at Invitae indicates that this missense variant is expected to disrupt KDM6A protein function. This variant is not present in population databases (gnomAD no frequency). This variant has not been reported in the literature in individuals affected with KDM6A-related conditions. ClinVar contains an entry for this variant (Variation ID: 1308592). In summary, the available evidence is currently insufficient to determine the role of this variant in disease. Therefore, it has been classified as a Variant of Uncertain Significance. This sequence change replaces serine, which is neutral and polar, with cysteine, which is neutral and slightly polar, at codon 286 of the KDM6A protein (p.Ser286Cys).

GeneDx
Classification: Uncertain significance. Last evaluated: 2019-04-08. Review status: criteria provided, single submitter. Criteria: GeneDx Variant Classification Process June 2021. Collection method: clinical testing. Allele origin: germline. Affected: yes.
Comment: Not observed in large population cohorts (Lek et al., 2016); In silico analysis, which includes protein predictors and evolutionary conservation, supports a deleterious effect; Has not been previously published as pathogenic or benign to our knowledge